The following is an entry in ClinVar:

NM_001845.6(COL4A1):c.4508T>C (p.Leu1503Pro)

Gene: COL4A1 (collagen type IV alpha 1 chain; minus strand). Cytogenetic location: 13q34.
Variant type: single nucleotide variant.
Coding change: c.4508T>C on transcript NM_001845.6 (MANE Select); coding-DNA position 4508, T replaced by C.
Protein change: p.Leu1503Pro; replaces leucine 1503 with proline.
Molecular consequence: missense variant.
Genome position (GRCh38, 1-based): chr13:110,161,324, A>G on the plus strand (T>C on the coding strand, the complement: COL4A1 is on the minus strand). VCF-style: chr13-110161324-A-G. GRCh37 (hg19) VCF-style: chr13-110813671-A-G.
Other names: short protein forms L1503P.
Identifiers: ClinVar variation 4746023 (VCV004746023.1).

ClinVar aggregate classification (germline): Uncertain significance (1 of 4 stars; one submission).

Submission:

Labcorp Genetics (formerly Invitae), Labcorp
Classification: Uncertain significance. Last evaluated: 2025-06-03. Review status: criteria provided, single submitter. Criteria: Invitae Variant Classification Sherloc (09022015). Collection method: clinical testing. Allele origin: germline.
Comment: This sequence change replaces leucine, which is neutral and non-polar, with proline, which is neutral and non-polar, at codon 1503 of the COL4A1 protein (p.Leu1503Pro). This variant is not present in population databases (gnomAD no frequency). This variant has not been reported in the literature in individuals affected with COL4A1-related conditions. Invitae Evidence Modeling of protein sequence and biophysical properties (such as structural, functional, and spatial information, amino acid conservation, physicochemical variation, residue mobility, and thermodynamic stability) indicates that this missense variant is expected to disrupt COL4A1 protein function with a positive predictive value of 80%. In summary, the available evidence is currently insufficient to determine the role of this variant in disease. Therefore, it has been classified as a Variant of Uncertain Significance.